The following is an entry in ClinVar:

ClinVar aggregate classification (germline): Uncertain significance (1 of 4 stars; one submission).

Conditions:
RASopathy. Also called: rasopathies; Noonan spectrum disorder. Identifiers: Orphanet 536391, MedGen C5555857, MONDO:0021060.

Submission:

Labcorp Genetics (formerly Invitae), Labcorp
Classification: Uncertain significance for RASopathy. Last evaluated: 2020-02-07. Review status: criteria provided, single submitter. Criteria: Invitae Variant Classification Sherloc (09022015). Collection method: clinical testing. Allele origin: germline.
Comment: This sequence change falls in intron 6 of the SOS1 gene. It does not directly change the encoded amino acid sequence of the SOS1 protein, but it affects a nucleotide within the consensus splice site of the intron. This variant is not present in population databases (ExAC no frequency). This variant has not been reported in the literature in individuals with SOS1-related conditions. Nucleotide substitutions within the consensus splice site are a relatively common cause of aberrant splicing (PMID: 17576681, 9536098). Algorithms developed to predict the effect of sequence changes on RNA splicing suggest that this variant may disrupt the consensus splice site, but this prediction has not been confirmed by published transcriptional studies. In summary, the available evidence is currently insufficient to determine the role of this variant in disease. Therefore, it has been classified as a Variant of Uncertain Significance.

Literature cited by the submitters: PubMed 17576681; PubMed 9536098.

NM_005633.4(SOS1):c.864+5G>C

Gene: SOS1 (SOS Ras/Rac guanine nucleotide exchange factor 1; minus strand). Cytogenetic location: 2p22.1.
Variant type: single nucleotide variant.
Coding change: c.864+5G>C on transcript NM_005633.4 (MANE Select); 5 bases into the intron after coding-DNA position 864, G replaced by C.
Molecular consequence: intron variant.
Genome position (GRCh38, 1-based): chr2:39,051,139, C>G on the plus strand (G>C on the coding strand, the complement: SOS1 is on the minus strand). VCF-style: chr2-39051139-C-G. GRCh37 (hg19) VCF-style: chr2-39278280-C-G.
Other names: c.843+5G>C (NM_001382394.1); c.864+5G>C (NM_001382395.1).
Identifiers: ClinVar variation 937492 (VCV000937492.7), dbSNP rs1671003663, ClinGen allele CA1139656874.